The following is an entry in ClinVar:

ClinVar aggregate classification (germline): Uncertain significance (1 of 4 stars; one submission).

Conditions:
Autosomal dominant limb-girdle muscular dystrophy type 1F (LGMDD2). Also called: Limb-girdle muscular dystrophy, type 1F; MUSCULAR DYSTROPHY, LIMB-GIRDLE, AUTOSOMAL DOMINANT 2. Identifiers: Orphanet 55595, MedGen C1842062, MONDO:0012034, OMIM 608423.

Allele frequency attached by ClinVar (database versions not stated): gnomAD exomes below 0.00001 and 0.00001; ExAC 0.00001.
gnomAD v4.1: 5 of 1,614,008 alleles (0.00031%); highest among the groups gnomAD compares: Admixed American, 0.0033%; no homozygotes.

Submission:

Labcorp Genetics (formerly Invitae), Labcorp
Classification: Uncertain significance for Autosomal dominant limb-girdle muscular dystrophy type 1F. Last evaluated: 2022-10-17. Review status: criteria provided, single submitter. Criteria: Invitae Variant Classification Sherloc (09022015). Collection method: clinical testing. Allele origin: germline.
Comment: In summary, the available evidence is currently insufficient to determine the role of this variant in disease. Therefore, it has been classified as a Variant of Uncertain Significance. Variants that disrupt the consensus splice site are a relatively common cause of aberrant splicing (PMID: 17576681, 9536098). Algorithms developed to predict the effect of sequence changes on RNA splicing suggest that this variant may create or strengthen a splice site. ClinVar contains an entry for this variant (Variation ID: 939345). This variant has not been reported in the literature in individuals affected with TNPO3-related conditions. This variant is present in population databases (rs758404751, gnomAD 0.003%). This sequence change affects codon 866 of the TNPO3 mRNA. It is a 'silent' change, meaning that it does not change the encoded amino acid sequence of the TNPO3 protein. This variant also falls at the last nucleotide of exon 20, which is part of the consensus splice site for this exon.

Literature cited by the submitters: PubMed 17576681; PubMed 9536098.

NM_012470.4(TNPO3):c.2598G>A (p.Pro866=)

Gene: TNPO3 (transportin 3; minus strand). Cytogenetic location: 7q32.1.
Variant type: single nucleotide variant.
Coding change: c.2598G>A on transcript NM_012470.4 (MANE Select); coding-DNA position 2598, G replaced by A.
Protein change: p.Pro866=; no amino-acid change (proline 866 retained).
Molecular consequence: synonymous variant. On other transcripts: non-coding transcript variant (18).
Genome position (GRCh38, 1-based): chr7:128,970,148, C>T on the plus strand (G>A on the coding strand, the complement: TNPO3 is on the minus strand). VCF-style: chr7-128970148-C-T. GRCh37 (hg19) VCF-style: chr7-128610202-C-T.
Other names: c.2406G>A, p.Pro802= (NM_001191028.3, NM_001382223.1); c.2700G>A, p.Pro900= (NM_001382216.1); c.2679G>A, p.Pro893= (NM_001382217.1); c.2598G>A, p.Pro866= (NM_001382218.1); c.2490G>A, p.Pro830= (NM_001382219.1); c.2457G>A, p.Pro819= (NM_001382220.1); c.2454G>A, p.Pro818= (NM_001382221.1); c.2451G>A, p.Pro817= (NM_001382222.1).
Identifiers: ClinVar variation 939345 (VCV000939345.8), dbSNP rs758404751, ClinGen allele CA4477843.